The following is an entry in ClinVar:

NM_017739.4(POMGNT1):c.961T>C (p.Ser321Pro)

Genes: POMGNT1 (protein O-linked mannose N-acetylglucosaminyltransferase 1 (beta 1,2-); minus strand), TSPAN1 (tetraspanin 1; plus strand). Cytogenetic location: 1p34.1.
Variant type: single nucleotide variant.
Coding change: c.961T>C on transcript NM_017739.4 (MANE Select); coding-DNA position 961, T replaced by C.
Protein change: p.Ser321Pro; replaces serine 321 with proline.
Molecular consequence: missense variant.
Genome position (GRCh38, 1-based): chr1:46,193,629, A>G on the plus strand (T>C on the coding strand, the complement: POMGNT1 is on the minus strand). VCF-style: chr1-46193629-A-G. GRCh37 (hg19) VCF-style: chr1-46659301-A-G.
Other names: c.961T>C, p.Ser321Pro (NM_001243766.2, NM_001410783.1, NM_001437653.1 and 3 more transcripts); c.895T>C, p.Ser299Pro (NM_001290129.3, NM_001438691.1, NM_001438692.1); c.532T>C, p.Ser178Pro (NM_001290130.2); short protein forms S178P, S299P, S321P.
Identifiers: ClinVar variation 4891032 (VCV004891032.1).

ClinVar aggregate classification (germline): Uncertain significance (1 of 4 stars; one submission).

gnomAD v4.1: 3 of 1,614,084 alleles (0.00019%); highest among the groups gnomAD compares: Non-Finnish European, 0.00025%; no homozygotes.

Submission:

Greenwood Genetic Center Diagnostic Laboratories, Greenwood Genetic Center
Classification: Uncertain significance. Last evaluated: 2026-04-24. Review status: criteria provided, single submitter. Criteria: ACMG Guidelines, 2015. Collection method: clinical testing. Allele origin: germline.
Comment: PM2, PM3, PP3